The following continues an entry in ClinVar:

NM_001127222.2(CACNA1A):c.1994C>T (p.Thr665Met)

Gene: CACNA1A. ClinVar aggregate classification (germline): Pathogenic. Pathogenic (20).

Submissions 11 to 24 of 24:

Ambry Genetics
Classification: Pathogenic for Inborn genetic diseases. Last evaluated: 2023-03-20. Review status: criteria provided, single submitter. Criteria: Ambry Variant Classification Scheme 2023. Collection method: clinical testing. Allele origin: germline.
Comment: The c.1997C>T (p.T666M) alteration is located in exon 16 (coding exon 16) of the CACNA1A gene. This alteration results from a C to T substitution at nucleotide position 1997, causing the threonine (T) at amino acid position 666 to be replaced by a methionine (M). This variant was not reported in population-based cohorts in the Genome Aggregation Database (gnomAD). This alteration has been described in many individuals with a wide clinical spectrum of symptoms including: migraines, hemiplegia, comas, progressive cognitive dysfunction, and progressive cerebellar ataxia, in both the individual and familial forms (Ophoff, 1996; Wada, 2002; Kirchmann, 2006; Choi, 2012; Garc&iacute;a-Bar&oacute;-Huarte, 2014; Kierdaszuk, 2017; Indelicato, 2019; Li, 2019; Sun, 2019; Ngo, 2020). In addition, this alteration has been referred to as the most common mutation found in CACNA1A, accounting for 40% of unrelated cases of CACNA1A-related familial hemiplegic migraine (Choi, 2012). This amino acid position is highly conserved in available vertebrate species. This missense alteration is located in a region that has a low rate of benign missense variation (Lek, 2016; Firth, 2009). In vitro studies showed defective voltage-dependent gating associated with the p.T666M pathogenic mutation (Barrett, 2005). This alteration is predicted to be deleterious by in silico analysis. Based on the available evidence, this alteration is classified as pathogenic.

Equipe Genetique des Anomalies du Developpement, Université de Bourgogne
Classification: Pathogenic for Migraine, familial hemiplegic, 1. Last evaluated: 2021-10-28. Review status: criteria provided, single submitter. Criteria: ACMG Guidelines, 2015. Collection method: clinical testing. Allele origin: de novo. Affected: yes.

CeGaT Center for Human Genetics Tuebingen
Classification: Pathogenic. Last evaluated: 2021-08-01. Review status: criteria provided, single submitter. Criteria: CeGaT Center For Human Genetics Tuebingen Variant Classification Criteria Version 2. Collection method: clinical testing. Allele origin: germline. Affected: yes. Observed: 7 variant alleles.

Institute of Human Genetics Munich, TUM University Hospital
Classification: Pathogenic for Migraine, familial hemiplegic, 1. Last evaluated: 2021-05-05. Review status: criteria provided, single submitter. Criteria: Classification criteria August 2017. Collection method: clinical testing. Allele origin: maternal, germline. Inheritance: Autosomal dominant inheritance. Affected: yes. Observed: 2 variant alleles.

GeneDx
Classification: Pathogenic. Last evaluated: 2021-04-02. Review status: criteria provided, single submitter. Criteria: GeneDx Variant Classification Process June 2021. Collection method: clinical testing. Allele origin: germline. Affected: yes.
Comment: Published functional studies demonstrate that the variant leads to loss-of-function for the P/Q-type channel activity, which significantly alters channel inactivation kinetics resulting in defective voltage-dependent gating to support calcium influx (Kraus et al., 1998; Barrett et al., 2005; Tao et al., 2012); Not observed in large population cohorts (gnomAD); In silico analysis supports that this missense variant has a deleterious effect on protein structure/function; This variant is associated with the following publications: (PMID: 30180405, 28717674, 10024348, 22136990, 24270521, 25274239, 22190617, 9488686, 22969264, 22000314, 25266619, 24498617, 27290639, 11971066, 11814735, 28169007, 18279427, 15795222, 12056940, 10987655, 8898206, 9915947, 12756131, 28856914, 29915382, 29486580, 31824404, 31692161, 14718690, 11439943, 31935766, 30063100, 31115040, 30027842)

Institute of Medical Genetics and Applied Genomics, University Hospital Tübingen
Classification: Pathogenic. Last evaluated: 2020-10-23. Review status: criteria provided, single submitter. Criteria: ACMG Guidelines, 2015. Collection method: clinical testing. Allele origin: germline. Inheritance: Unknown mechanism. Affected: yes.

Center of Genomic medicine, Geneva, University Hospital of Geneva
Classification: Pathogenic for Migraine, familial hemiplegic, 1. Last evaluated: 2016-08-30. Review status: criteria provided, single submitter. Criteria: ACMG Guidelines, 2015. Collection method: clinical testing. Allele origin: de novo. Affected: yes.

Genetic Services Laboratory, University of Chicago
Classification: Pathogenic for Episodic ataxia, type 2. Last evaluated: 2015-10-08. Review status: criteria provided, single submitter. Criteria: ACMG Guidelines, 2015. Collection method: clinical testing. Allele origin: germline. Affected: yes.

Juno Genomics, Hangzhou Juno Genomics, Inc
Classification: Pathogenic for Migraine, familial hemiplegic, 1. Review status: criteria provided, single submitter. Criteria: ACMG Guidelines, 2015. Collection method: clinical testing. Allele origin: germline.
Comment: Absent from controls (or at extremely low frequency if recessive) in Genome Aggregation Database.;Multiple lines of computational evidence support a deleterious effect on the gene or gene product.;Missense variant in a gene that has a low rate of benign missense variation.;Co-segregation with disease in multiple affected family members.;The prevalence of the variant in affected individuals is significantly increased compared to the prevalence in controls.

Kasturba Medical College, Manipal, Kasturba Medical College, Manipal, Manipal Academy of Higher Education, Manipal, India
Classification: Pathogenic for Episodic ataxia type 2. Review status: criteria provided, single submitter. Criteria: ACMG Guidelines, 2015. Collection method: research. Allele origin: de novo. Affected: yes.

OMIM
Classification: Pathogenic for MIGRAINE, FAMILIAL HEMIPLEGIC, 1. Last evaluated: 2005-06-24. Review status: no assertion criteria provided. Collection method: literature only. Allele origin: germline. Not counted in ClinVar's aggregate classification.

OMIM
Classification: Pathogenic for MIGRAINE, SPORADIC HEMIPLEGIC, WITH PROGRESSIVE CEREBELLAR ATAXIA. Last evaluated: 2005-06-24. Review status: no assertion criteria provided. Collection method: literature only. Allele origin: germline. Not counted in ClinVar's aggregate classification.

GeneReviews
No classification provided. Condition: Familial hemiplegic migraine. Review status: no classification provided. Collection method: literature only. Allele origin: germline. Not counted in ClinVar's aggregate classification.
Comment: Most common pathogenic variant with no evidence for founder effect

UniProtKB/Swiss-Prot
No classification provided. Condition: Familial hemiplegic migraine type 1. Review status: no classification provided. Collection method: not provided. Allele origin: not provided. Not counted in ClinVar's aggregate classification.

Literature cited by the submitters: PubMed 8898206 (cited by 6 submitters); PubMed 11814735 (cited by 4 submitters); PubMed 11971066 (cited by 3 submitters); PubMed 24270521 (cited by Labcorp Genetics (formerly Invitae), Labcorp); PubMed 25274239 (cited by Labcorp Genetics (formerly Invitae), Labcorp and Athena Diagnostics); PubMed 28169007 (cited by Labcorp Genetics (formerly Invitae), Labcorp and Ambry Genetics); PubMed 9488686 (cited by 4 submitters); PubMed 10024348 (cited by 4 submitters); PubMed 22190617 (cited by 3 submitters); PubMed 37326332 (cited by Mayo Clinic Laboratories, Mayo Clinic); PubMed 11439943 (cited by Women's Health and Genetics/Laboratory Corporation of America, LabCorp); PubMed 25266619 (cited by 3 submitters); PubMed 22000314 (cited by Athena Diagnostics); PubMed 22969264 (cited by Athena Diagnostics and Ambry Genetics); PubMed 9915947 (cited by 3 submitters); PubMed 12756131 (cited by Athena Diagnostics and OMIM); PubMed 24498617 (cited by Athena Diagnostics); PubMed 18279427 (cited by Athena Diagnostics); PubMed 28856914 (cited by Athena Diagnostics); PubMed 31824404 (cited by Athena Diagnostics and Ambry Genetics); PubMed 31692161 (cited by Athena Diagnostics and Ambry Genetics); PubMed 29915382 (cited by Athena Diagnostics and Ambry Genetics); PubMed 33098801 (cited by Athena Diagnostics); PubMed 15795222 (cited by Ambry Genetics and OMIM); PubMed 16508934 (cited by Ambry Genetics); PubMed 30063100 (cited by Ambry Genetics); PubMed 10987655 (cited by OMIM); PubMed 12056940 (cited by OMIM); PubMed 20301562 (cited by GeneReviews).